The following is an entry in ClinVar:

NM_006012.4(CLPP):c.405G>A (p.Thr135=)

Gene: CLPP (caseinolytic mitochondrial matrix peptidase proteolytic subunit; plus strand). Cytogenetic location: 19p13.3.
Variant type: single nucleotide variant.
Coding change: c.405G>A on transcript NM_006012.4 (MANE Select); coding-DNA position 405, G replaced by A.
Protein change: p.Thr135=; no amino-acid change (threonine 135 retained).
Molecular consequence: synonymous variant.
Genome position (GRCh38, 1-based): chr19:6,364,489, G>A. VCF-style: chr19-6364489-G-A. GRCh37 (hg19) VCF-style: chr19-6364500-G-A.
Identifiers: ClinVar variation 226520 (VCV000226520.17), dbSNP rs7260547, ClinGen allele CA9122915.
Genomic context (GRCh38, chr19:6,364,489, plus strand): 5'-CTCACTTGCTCCCCCGCCCACAGGTGGTGTGGTGACCGCGGGCCTGGCCATCTACGACAC[G>A]ATGCAGTACATCCTCAACCCGATCTGCACCTGGTGCGTGGGCCAGGCCGCCAGCATGGGC-3'
Protein context (NP_006003.1, residues 125-145): VVTAGLAIYD[Thr135=]MQYILNPICT

ClinVar aggregate classification (germline): Benign. Review status: criteria provided, multiple submitters, no conflicts (2 of 4 stars). 5 submissions from 5 submitters: Benign (4). 1 of the submissions does not count toward it. Last evaluated 2026-01-27.

Allele frequency attached by ClinVar (database versions not stated): gnomAD exomes 0.00247 and 0.00707; ExAC 0.01037; gnomAD 0.02686 and 0.02865; ESP Exome Variant Server 0.02960; 1000 Genomes Project 0.02975; TOPMed 0.03061; 1000 Genomes Project 30x 0.03092.

Submissions (5):

Labcorp Genetics (formerly Invitae), Labcorp
Classification: Benign. Last evaluated: 2026-01-27. Review status: criteria provided, single submitter. Criteria: Invitae Variant Classification Sherloc (09022015). Collection method: clinical testing. Allele origin: germline.

GeneDx
Classification: Benign. Last evaluated: 2017-10-05. Review status: criteria provided, single submitter. Criteria: GeneDx Variant Classification (06012015). Collection method: clinical testing. Allele origin: germline. Affected: yes.
Comment: This variant is considered likely benign or benign based on one or more of the following criteria: it is a conservative change, it occurs at a poorly conserved position in the protein, it is predicted to be benign by multiple in silico algorithms, and/or has population frequency not consistent with disease.

Laboratory for Molecular Medicine, Mass General Brigham Personalized Medicine
Classification: Benign. Last evaluated: 2014-11-24. Review status: criteria provided, single submitter. Criteria: LMM Criteria. Collection method: clinical testing. Allele origin: germline. Observed: 23 variant alleles.
Comment: Thr135Thr in exon 4 of CLPP: This variant is not expected to have clinical signi ficance because it does not alter an amino acid residue and is not located withi n the splice consensus sequence. It has been identified in 8.7% (384/4406) of Af rican American chromosomes from a broad population by the NHLBI Exome Sequencing Project (dbSNP rs7260547).

Breakthrough Genomics
Classification: Benign. Review status: criteria provided, single submitter. Criteria: ACMG Guidelines, 2015. Collection method: not provided. Allele origin: germline. Inheritance: Autosomal recessive inheritance. Affected: yes.

Mayo Clinic Laboratories, Mayo Clinic
Classification: Benign. Last evaluated: 2016-03-15. Review status: no assertion criteria provided. Collection method: clinical testing. Allele origin: unknown. Not counted in ClinVar's aggregate classification.